The following is an entry in ClinVar:

NM_000329.3(RPE65):c.*341T>C

Gene: RPE65 (retinoid isomerohydrolase RPE65; minus strand). Cytogenetic location: 1p31.3.
Variant type: single nucleotide variant.
Coding change: c.*341T>C on transcript NM_000329.3 (MANE Select); 341 bases downstream of the stop codon, T replaced by C.
Molecular consequence: 3 prime UTR variant.
Genome position (GRCh38, 1-based): chr1:68,429,435, A>G on the plus strand (T>C on the coding strand, the complement: RPE65 is on the minus strand). VCF-style: chr1-68429435-A-G. GRCh37 (hg19) VCF-style: chr1-68895118-A-G.
Identifiers: ClinVar variation 875991 (VCV000875991.4), dbSNP rs74084042, ClinGen allele CA23562223.

ClinVar aggregate classification (germline): Likely benign. Review status: criteria provided, single submitter (1 of 4 stars). 2 submissions from 1 submitter: Likely benign (2). Last evaluated 2018-01-13.

Conditions:
Leber congenital amaurosis 2 (LCA2). Also called: AMAUROSIS CONGENITA OF LEBER II; Autosomal Recessive RPE65-Related Retinal Degeneration. Identifiers: Orphanet 65, MedGen C1859844, MONDO:0008765, OMIM 204100. Disease mechanism: loss of function.
Retinitis pigmentosa (RP). Identifiers: Orphanet 791, MedGen C0035334, MeSH D012174, MONDO:0019200, OMIM 268000. Inheritance: Autosomal dominant, autosomal recessive and X linked inheritance.

Allele frequency attached by ClinVar (database versions not stated): gnomAD exomes 0.00073; gnomAD 0.00825 and 0.00885; TOPMed 0.00943; 1000 Genomes Project 0.00998; 1000 Genomes Project 30x 0.01062.
gnomAD v4.1: 1,352 of 283,492 alleles (0.48%); highest among the groups gnomAD compares: African/African-American, 2.8%; 14 homozygotes.

Submissions (2):

Illumina Laboratory Services, Illumina
Classification: Likely benign for Leber congenital amaurosis 2. Last evaluated: 2018-01-13. Review status: criteria provided, single submitter. Criteria: ICSL Variant Classification Criteria 13 December 2019. Collection method: clinical testing. Allele origin: germline.
Comment: This variant was observed in the ICSL laboratory as part of a predisposition screen in an ostensibly healthy population. It had not been previously curated by ICSL or reported in the Human Gene Mutation Database (HGMD: prior to June 1st, 2018), and was therefore a candidate for classification through an automated scoring system. Utilizing variant allele frequency, disease prevalence and penetrance estimates, and inheritance mode, an automated score was calculated to assess if this variant is too frequent to cause the disease. Based on the score and internal cut-off values, a variant classified as likely benign is not then subjected to further curation. The score for this variant resulted in a classification of likely benign for this disease.

Illumina Laboratory Services, Illumina
Classification: Likely benign for Retinitis pigmentosa. Last evaluated: 2018-01-13. Review status: criteria provided, single submitter. Criteria: ICSL Variant Classification Criteria 13 December 2019. Collection method: clinical testing. Allele origin: germline.
Comment: the same text as in the submission from Illumina Laboratory Services, Illumina above.